The following is an entry in ClinVar:

ClinVar aggregate classification (germline): Likely benign. Review status: criteria provided, multiple submitters, no conflicts (2 of 4 stars). 2 submissions from 2 submitters: Likely benign (2). Last evaluated 2025-04-21.

Conditions:
Niemann-Pick disease, type C1. Also called: NIEMANN-PICK DISEASE, VARIANT TYPE C1; NEUROVISCERAL STORAGE DISEASE WITH VERTICAL SUPRANUCLEAR OPHTHALMOPLEGIA; NIEMANN-PICK DISEASE WITH CHOLESTEROL ESTERIFICATION BLOCK; NIEMANN-PICK DISEASE WITHOUT SPHINGOMYELINASE DEFICIENCY; NIEMANN-PICK DISEASE, CHRONIC NEURONOPATHIC FORM. Identifiers: Orphanet 646, MedGen C3179455, MONDO:0009757, OMIM 257220.
NPC1-related disorder. Also called: NPC1-related condition.

gnomAD v4.1: 5 of 1,613,716 alleles (0.00031%); highest among the groups gnomAD compares: Non-Finnish European, 0.00042%; no homozygotes.

Submissions (2):

Labcorp Genetics (formerly Invitae), Labcorp
Classification: Likely benign for Niemann-Pick disease, type C1. Last evaluated: 2025-04-21. Review status: criteria provided, single submitter. Criteria: Invitae Variant Classification Sherloc (09022015). Collection method: clinical testing. Allele origin: germline.

PreventionGenetics, part of Exact Sciences
Classification: Likely benign for NPC1-related condition. Last evaluated: 2025-04-10. Review status: criteria provided, single submitter. Criteria: ACMG Guidelines, 2015. Collection method: clinical testing. Allele origin: germline.
Comment: This variant is classified as likely benign based on ACMG/AMP sequence variant interpretation guidelines (Richards et al. 2015 PMID: 25741868, with internal and published modifications).

NM_000271.5(NPC1):c.2912-5G>T

Gene: NPC1 (NPC intracellular cholesterol transporter 1; minus strand). Cytogenetic location: 18q11.2.
Variant type: single nucleotide variant.
Coding change: c.2912-5G>T on transcript NM_000271.5 (MANE Select); 5 bases into the intron before coding-DNA position 2912, G replaced by T.
Molecular consequence: intron variant.
Genome position (GRCh38, 1-based): chr18:23,538,676, C>A on the plus strand (G>T on the coding strand, the complement: NPC1 is on the minus strand). VCF-style: chr18-23538676-C-A. GRCh37 (hg19) VCF-style: chr18-21118640-C-A.
Other names: c.2912-5G>T (NM_000271.4).
Identifiers: ClinVar variation 1102098 (VCV001102098.10), dbSNP rs369985476, ClinGen allele CA988381907.
Genomic context (GRCh38, chr18:23,538,676, plus strand): 5'-CCTCTGTTTGCCTTCCGGAGTCAGAGGCCTGCAGCGAACGCAGGCAGGGTCAACCACTGG[C>A]GGAGACATGCAGGGAGGACTGTTAGAAGAATAGGTCTCCAGATTTTTTGTAAAACATTTT-3'